The following is an entry in ClinVar:

NM_001041.4(SI):c.5444_5445del (p.Asn1815fs)

Gene: SI (sucrase-isomaltase; minus strand). Cytogenetic location: 3q26.1.
Variant type: Deletion.
Coding change: c.5444_5445del on transcript NM_001041.4 (MANE Select); coding-DNA positions 5444 to 5445, 2 bases deleted (AT; older notation c.5444_5445delAT).
Protein change: p.Asn1815fs; shifts the reading frame from asparagine 1815.
Molecular consequence: frameshift variant.
Genome position (GRCh38, 1-based): chr3:164,979,401-164,979,402, AT deleted on the plus strand (AT on the coding strand, the reverse complement: SI is on the minus strand). VCF-style (leftmost placement, unchanged base first): chr3-164979400-CAT-C. GRCh37 (hg19) VCF-style: chr3-164697188-CAT-C.
Other names: short protein forms N1815fs.
Identifiers: ClinVar variation 1937683 (VCV001937683.2), dbSNP rs745476019, ClinGen allele CA2689509.

ClinVar aggregate classification (germline): Uncertain significance (1 of 4 stars; one submission).

Allele frequency attached by ClinVar (database versions not stated): TOPMed below 0.00001 and 0.00001; ExAC 0.00001; gnomAD exomes 0.00001 and 0.00002; gnomAD 0.00002.

Submission:

Labcorp Genetics (formerly Invitae), Labcorp
Classification: Uncertain significance. Last evaluated: 2022-07-29. Review status: criteria provided, single submitter. Criteria: Invitae Variant Classification Sherloc (09022015). Collection method: clinical testing. Allele origin: germline.
Comment: This sequence change results in a frameshift in the SI gene (p.Asn1815Serfs*73). While this is not anticipated to result in nonsense mediated decay, it is expected to disrupt the last 13 amino acid(s) of the SI protein and extend the protein by 59 additional amino acid residues. This variant is present in population databases (rs745476019, gnomAD 0.003%). This variant has not been reported in the literature in individuals affected with SI-related conditions. Algorithms developed to predict the effect of sequence changes on RNA splicing suggest that this variant may create or strengthen a splice site. In summary, the available evidence is currently insufficient to determine the role of this variant in disease. Therefore, it has been classified as a Variant of Uncertain Significance.